The following is an entry in ClinVar:

NM_002474.3(MYH11):c.2860-17_2860-16del

Gene: MYH11 (myosin heavy chain 11; minus strand). Cytogenetic location: 16p13.11.
Variant type: Deletion.
Coding change: c.2860-17_2860-16del on transcript NM_002474.3 (MANE Select); 17 bases into the intron before coding-DNA position 2860 through 16 bases into the intron before coding-DNA position 2860, 2 bases deleted (TT; older notation c.2860-17_2860-16delTT).
Molecular consequence: intron variant.
Genome position (GRCh38, 1-based): chr16:15,740,204-15,740,205, AA deleted on the plus strand (TT on the coding strand, the reverse complement: MYH11 is on the minus strand); deleting any 2 consecutive bases within chr16:15,740,204-15,740,207 gives the same sequence; the c. name uses the placement nearest the transcript's 3' end. VCF-style (leftmost placement, unchanged base first): chr16-15740203-GAA-G. GRCh37 (hg19) VCF-style: chr16-15834060-GAA-G.
Other names: c.2860-17_2860-16del (NM_022844.3); c.2881-17_2881-16del (NM_001040114.2, NM_001040113.2).
Identifiers: ClinVar variation 3071201 (VCV003071201.1), dbSNP rs2506198630, ClinGen allele CA2825002394.

ClinVar aggregate classification (germline): Uncertain significance (1 of 4 stars; one submission).

Conditions:
Familial thoracic aortic aneurysm and aortic dissection (TAAD). Also called: Thoracic aortic aneurysms and dissections. Identifiers: Orphanet 91387, MedGen C4707243, MONDO:0019625.

Submission:

All of Us Research Program, National Institutes of Health
Classification: Uncertain significance for Familial thoracic aortic aneurysm and aortic dissection. Last evaluated: 2023-05-16. Review status: criteria provided, single submitter. Criteria: ACMG Guidelines, 2015. Collection method: clinical testing. Allele origin: germline. Inheritance: Autosomal dominant inheritance. Observed: 1 variant allele, 1 heterozygote.
Comment: This variant causes a deletion of two nucleotides in intron 23 of the MYH11 gene. To our knowledge, functional studies have not been reported for this variant. This variant has not been reported in individuals affected with MYH11-related disorders in the literature. This variant has not been identified in the general population by the Genome Aggregation Database (gnomAD). The available evidence is insufficient to determine the role of this variant in disease conclusively. Therefore, this variant is classified as a Variant of Uncertain Significance.

This study involves interpretation of variants in research participants for the purpose of population health screening. Participant phenotype was not available at the time of variant classification. Additional details can be found in publication PMID: 35346344, PMCID: PMC8962531